The following is an entry in ClinVar:

ClinVar aggregate classification (germline): Uncertain significance. Review status: criteria provided, multiple submitters, no conflicts (2 of 4 stars). 2 submissions from 2 submitters: Uncertain significance (2). Last evaluated 2022-09-01.

Conditions:
Autosomal recessive limb-girdle muscular dystrophy type 2O. Also called: Limb-Girdle Muscular Dystrophy Type 3C; MUSCULAR DYSTROPHY-DYSTROGLYCANOPATHY, LIMB-GIRDLE, POMGNT1-RELATED; MUSCULAR DYSTROPHY-DYSTROGLYCANOPATHY (LIMB-GIRDLE), TYPE C, 3. Identifiers: Orphanet 206564, MedGen C3150417, MONDO:0013161, OMIM 613157.
Muscular dystrophy-dystroglycanopathy (congenital with impaired intellectual development), type B, 3. Also called: Muscular dystrophy-dystroglycanopathy (congenital with intellectual disability), type B3; MUSCULAR DYSTROPHY, CONGENITAL, POMGNT1-RELATED. Identifiers: MedGen C3150412, MONDO:0013155, OMIM 613151.

Allele frequency attached by ClinVar (database versions not stated): ExAC 0.00002; gnomAD below 0.00001 and 0.00001; gnomAD exomes 0.00001.
gnomAD v4.1: 15 of 1,614,006 alleles (0.00093%); highest among the groups gnomAD compares: South Asian, 0.0077%; no homozygotes.

Submissions (2):

Labcorp Genetics (formerly Invitae), Labcorp
Classification: Uncertain significance for Autosomal recessive limb-girdle muscular dystrophy type 2O; Muscular dystrophy-dystroglycanopathy (congenital with impaired intellectual development), type B, 3. Last evaluated: 2022-09-01. Review status: criteria provided, single submitter. Criteria: Invitae Variant Classification Sherloc (09022015). Collection method: clinical testing. Allele origin: germline.
Comment: This sequence change replaces proline, which is neutral and non-polar, with leucine, which is neutral and non-polar, at codon 469 of the POMGNT1 protein (p.Pro469Leu). This variant is present in population databases (rs769879467, gnomAD 0.006%). This variant has not been reported in the literature in individuals affected with POMGNT1-related conditions. ClinVar contains an entry for this variant (Variation ID: 595399). Advanced modeling of protein sequence and biophysical properties (such as structural, functional, and spatial information, amino acid conservation, physicochemical variation, residue mobility, and thermodynamic stability) performed at Invitae indicates that this missense variant is not expected to disrupt POMGNT1 protein function. In summary, the available evidence is currently insufficient to determine the role of this variant in disease. Therefore, it has been classified as a Variant of Uncertain Significance.

Eurofins Ntd Llc (ga)
Classification: Uncertain significance. Last evaluated: 2017-12-12. Review status: criteria provided, single submitter. Criteria: EGL Classification Definitions 2015. Collection method: clinical testing. Allele origin: germline. Observed: 1 variant allele, 1 heterozygote.

NM_017739.4(POMGNT1):c.1406C>T (p.Pro469Leu)

Genes: POMGNT1 (protein O-linked mannose N-acetylglucosaminyltransferase 1 (beta 1,2-); minus strand), TSPAN1 (tetraspanin 1; plus strand). Cytogenetic location: 1p34.1.
Variant type: single nucleotide variant.
Coding change: c.1406C>T on transcript NM_017739.4 (MANE Select); coding-DNA position 1406, C replaced by T.
Protein change: p.Pro469Leu; replaces proline 469 with leucine.
Molecular consequence: missense variant.
Genome position (GRCh38, 1-based): chr1:46,192,315, G>A on the plus strand (C>T on the coding strand, the complement: POMGNT1 is on the minus strand). VCF-style: chr1-46192315-G-A. GRCh37 (hg19) VCF-style: chr1-46657987-G-A.
Other names: c.1406C>T, p.Pro469Leu (NM_001243766.2, NM_001410783.1); c.1340C>T, p.Pro447Leu (NM_001290129.3); c.977C>T, p.Pro326Leu (NM_001290130.2); short protein forms P469L, P326L, P447L.
Identifiers: ClinVar variation 595399 (VCV000595399.6), dbSNP rs769879467, ClinGen allele CA833397.